The following is an entry in ClinVar:

ClinVar aggregate classification (germline): Conflicting classifications of pathogenicity. Review status: criteria provided, conflicting classifications (1 of 4 stars). 3 submissions from 3 submitters: Uncertain significance (2); Benign (1). Last evaluated 2025-05-23.

Conditions:
BRCA2-related cancer predisposition. Identifiers: MedGen CN377758, MONDO:0700269.
Hereditary cancer-predisposing syndrome. Also called: Hereditary neoplastic syndrome; Tumor predisposition; Hereditary Cancer Syndrome; Neoplastic Syndromes, Hereditary. Identifiers: Orphanet 140162, MedGen C0027672, MeSH D009386, MONDO:0015356.
Hereditary breast ovarian cancer syndrome. Also called: BRCA1- and BRCA2-Associated Hereditary Breast and Ovarian Cancer; Hereditary breast and ovarian cancer syndrome (HBOC); Hereditary breast and/or ovarian cancer syndrome; Hereditary breast and ovarian cancer syndrome; Hereditary breast and ovarian cancer; Breast and ovarian cancer. Identifiers: Orphanet 145, MedGen C0677776, MeSH D061325, MONDO:0003582. Disease mechanism: loss of function.

Allele frequency attached by ClinVar (database versions not stated): gnomAD 0.00001.
gnomAD v4.1: 1 of 1,613,980 alleles (0.000062%); highest among the groups gnomAD compares: African/African-American, 0.0013%; no homozygotes.

Submissions (3):

Ambry Genetics
Classification: Benign for Hereditary cancer-predisposing syndrome. Last evaluated: 2025-05-23. Review status: criteria provided, single submitter. Criteria: Ambry Variant Classification Scheme 2023. Collection method: clinical testing. Allele origin: germline.

All of Us Research Program, National Institutes of Health
Classification: Uncertain significance for BRCA2-related cancer predisposition. Last evaluated: 2024-03-05. Review status: criteria provided, single submitter. Criteria: ACMG Guidelines, 2015. Collection method: clinical testing. Allele origin: germline. Inheritance: Autosomal dominant inheritance. Observed: 1 variant allele, 1 heterozygote.
Comment: This study involves interpretation of variants in research participants for the purpose of population health screening. Participant phenotype was not available at the time of variant classification. Additional details can be found in publication PMID: 35346344, PMCID: PMC8962531

Labcorp Genetics (formerly Invitae), Labcorp
Classification: Uncertain significance for Hereditary breast ovarian cancer syndrome. Last evaluated: 2020-09-15. Review status: criteria provided, single submitter. Criteria: Invitae Variant Classification Sherloc (09022015). Collection method: clinical testing. Allele origin: germline.
Comment: This variant is not present in population databases (ExAC no frequency). This sequence change replaces alanine with proline at codon 2857 of the BRCA2 protein (p.Ala2857Pro). The alanine residue is weakly conserved and there is a small physicochemical difference between alanine and proline. In summary, the available evidence is currently insufficient to determine the role of this variant in disease. Therefore, it has been classified as a Variant of Uncertain Significance. Algorithms developed to predict the effect of missense changes on protein structure and function do not agree on the potential impact of this missense change (SIFT: "Tolerated"; PolyPhen-2: "Probably Damaging"; Align-GVGD: "Class C0"). This variant has not been reported in the literature in individuals with BRCA2-related disease. ClinVar contains an entry for this variant (Variation ID: 220746).

NM_000059.4(BRCA2):c.8569G>C (p.Ala2857Pro)

Gene: BRCA2 (BRCA2 DNA repair associated; plus strand). Cytogenetic location: 13q13.1.
Variant type: single nucleotide variant.
Coding change: c.8569G>C on transcript NM_000059.4 (MANE Select); coding-DNA position 8569, G replaced by C.
Protein change: p.Ala2857Pro; replaces alanine 2857 with proline.
Molecular consequence: missense variant.
Genome position (GRCh38, 1-based): chr13:32,371,037, G>C. VCF-style: chr13-32371037-G-C. GRCh37 (hg19) VCF-style: chr13-32945174-G-C.
Other names: short protein forms A2857P.
Identifiers: ClinVar variation 220746 (VCV000220746.13), dbSNP rs730881565, ClinGen allele CA350121.